The following is an entry in ClinVar:

ClinVar aggregate classification (germline): Likely benign (1 of 4 stars; one submission).

gnomAD v4.1: 1 of 1,614,134 alleles (0.000062%); highest among the groups gnomAD compares: Non-Finnish European, 0.000085%; no homozygotes.

Submission:

CeGaT Center for Human Genetics Tuebingen
Classification: Likely benign. Last evaluated: 2025-07-01. Review status: criteria provided, single submitter. Criteria: CeGaT Center For Human Genetics Tuebingen Variant Classification Criteria Version 2. Collection method: clinical testing. Allele origin: germline. Affected: yes. Observed: 1 variant allele.
Comment: CPSF3: BP4, BP7

NM_016207.4(CPSF3):c.882C>T (p.Arg294=)

Gene: CPSF3 (cleavage and polyadenylation specific factor 3; plus strand). Cytogenetic location: 2p25.1.
Variant type: single nucleotide variant.
Coding change: c.882C>T on transcript NM_016207.4 (MANE Select); coding-DNA position 882, C replaced by T.
Protein change: p.Arg294=; no amino-acid change (arginine 294 retained).
Molecular consequence: synonymous variant.
Genome position (GRCh38, 1-based): chr2:9,440,612, C>T. VCF-style: chr2-9440612-C-T. GRCh37 (hg19) VCF-style: chr2-9580741-C-T.
Other names: c.771C>T, p.Arg257= (NM_001321833.2, NM_001321834.2); c.465C>T, p.Arg155= (NM_001321835.2); c.894C>T, p.Arg298= (NM_001321836.2).
Identifiers: ClinVar variation 4085580 (VCV004085580.8).